The following is an entry in ClinVar:

ClinVar aggregate classification (germline): Uncertain significance (1 of 4 stars; one submission).

Conditions:
Hereditary cancer-predisposing syndrome. Also called: Neoplastic Syndromes, Hereditary; Tumor predisposition; Hereditary Cancer Syndrome; Hereditary neoplastic syndrome. Identifiers: Orphanet 140162, MedGen C0027672, MeSH D009386, MONDO:0015356.

Submission:

Ambry Genetics
Classification: Uncertain significance for Hereditary cancer-predisposing syndrome. Last evaluated: 2026-05-22. Review status: criteria provided, single submitter. Criteria: Ambry Variant Classification Scheme 2023. Collection method: clinical testing. Allele origin: germline.
Comment: The p.F537S variant (also known as c.1610T>C), located in coding exon 9 of the DICER1 gene, results from a T to C substitution at nucleotide position 1610. The phenylalanine at codon 537 is replaced by serine, an amino acid with highly dissimilar properties. This amino acid position is conserved. In addition, this alteration is predicted to be deleterious by in silico analysis. Based on the available evidence, the clinical significance of this variant remains unclear.

NM_177438.3(DICER1):c.1610T>C (p.Phe537Ser)

Gene: DICER1 (dicer 1, ribonuclease III; minus strand). Cytogenetic location: 14q32.13.
Variant type: single nucleotide variant.
Coding change: c.1610T>C on transcript NM_177438.3 (MANE Select); coding-DNA position 1610, T replaced by C.
Protein change: p.Phe537Ser; replaces phenylalanine 537 with serine.
Molecular consequence: missense variant. On other transcripts: non-coding transcript variant (6), intron variant (1).
Genome position (GRCh38, 1-based): chr14:95,116,595, A>G on the plus strand (T>C on the coding strand, the complement: DICER1 is on the minus strand). VCF-style: chr14-95116595-A-G. GRCh37 (hg19) VCF-style: chr14-95582932-A-G.
Other names: c.-59-15T>C (NM_001395697.1); c.1610T>C, p.Phe537Ser (NM_001195573.1, NM_001271282.3, NM_001291628.2 and 12 more transcripts); c.1328T>C, p.Phe443Ser (NM_001395686.1); c.1205T>C, p.Phe402Ser (NM_001395687.1, NM_001395688.1, NM_001395689.1 and 3 more transcripts); c.1043T>C, p.Phe348Ser (NM_001395691.1); short protein forms F348S, F402S, F443S, F537S.
Identifiers: ClinVar variation 4869800 (VCV004869800.1).
Genomic context (GRCh38, chr14:95,116,595, plus strand): 5'-ATGGGTGCCCTTGCTCTTCCTTTAGATTGAACATAGGATCGATATTCTGTGGGCAAATCA[A>G]AACGAACCACCAAGTTGCATTTTGGTATATCAACACCCTCTTCTACAATACTTGTTGCAA-3'
Protein context (NP_803187.1, residues 527-547): DIPKCNLVVR[Phe537Ser]DLPTEYRSYV